The following is an entry in ClinVar:

ClinVar aggregate classification (germline): Uncertain significance (1 of 4 stars; one submission).

Conditions:
Norman-Roberts syndrome (LIS2). Also called: Lissencephaly 2 (Norman-Roberts type). Identifiers: Orphanet 89844, MedGen C0796089, MONDO:0009760, OMIM 257320.
Familial temporal lobe epilepsy 7. Identifiers: Orphanet 101046, MedGen C4225327, MONDO:0014639, OMIM 616436.

Submission:

Labcorp Genetics (formerly Invitae), Labcorp
Classification: Uncertain significance for Familial temporal lobe epilepsy 7; Norman-Roberts syndrome. Last evaluated: 2022-02-24. Review status: criteria provided, single submitter. Criteria: Invitae Variant Classification Sherloc (09022015). Collection method: clinical testing. Allele origin: germline.
Comment: In summary, the available evidence is currently insufficient to determine the role of this variant in disease. Therefore, it has been classified as a Variant of Uncertain Significance. Algorithms developed to predict the effect of missense changes on protein structure and function (SIFT, PolyPhen-2, Align-GVGD) all suggest that this variant is likely to be tolerated. This variant has not been reported in the literature in individuals affected with RELN-related conditions. This variant is not present in population databases (gnomAD no frequency). This sequence change replaces phenylalanine, which is neutral and non-polar, with tyrosine, which is neutral and polar, at codon 2891 of the RELN protein (p.Phe2891Tyr).

NM_005045.4(RELN):c.8672T>A (p.Phe2891Tyr)

Genes: SLC26A5-AS1 (SLC26A5 antisense RNA 1; plus strand), RELN (reelin; minus strand). Cytogenetic location: 7q22.1.
Variant type: single nucleotide variant.
Coding change: c.8672T>A on transcript NM_005045.4 (MANE Select); coding-DNA position 8672, T replaced by A.
Protein change: p.Phe2891Tyr; replaces phenylalanine 2891 with tyrosine.
Molecular consequence: missense variant.
Genome position (GRCh38, 1-based): chr7:103,498,248, A>T on the plus strand (T>A on the coding strand, the complement: RELN is on the minus strand). VCF-style: chr7-103498248-A-T. GRCh37 (hg19) VCF-style: chr7-103138695-A-T.
Other names: c.8672T>A, p.Phe2891Tyr (NM_173054.3); short protein forms F2891Y.
Identifiers: ClinVar variation 1396955 (VCV001396955.8), dbSNP rs752516448, ClinGen allele CA368753813.